The following is an entry in ClinVar:

NM_001144967.3(NEDD4L):c.1709A>G (p.Asn570Ser)

Gene: NEDD4L (NEDD4 like E3 ubiquitin protein ligase; plus strand). Cytogenetic location: 18q21.31.
Variant type: single nucleotide variant.
Coding change: c.1709A>G on transcript NM_001144967.3 (MANE Select); coding-DNA position 1709, A replaced by G.
Protein change: p.Asn570Ser; replaces asparagine 570 with serine.
Molecular consequence: missense variant.
Genome position (GRCh38, 1-based): chr18:58,357,194, A>G. VCF-style: chr18-58357194-A-G. GRCh37 (hg19) VCF-style: chr18-56024426-A-G.
Other names: c.1346A>G, p.Asn449Ser (NM_001144964.1, NM_001144965.2, NM_001144966.3); c.1685A>G, p.Asn562Ser (NM_001144968.2); c.1625A>G, p.Asn542Ser (NM_001144969.2); c.1286A>G, p.Asn429Ser (NM_001144970.3, NM_001144971.2); c.1517A>G, p.Asn506Ser (NM_001243960.2); c.1649A>G, p.Asn550Ser (NM_015277.6); short protein forms N542S, N562S, N449S, N506S, N429S, N550S, N570S.
Identifiers: ClinVar variation 1460774 (VCV001460774.8), dbSNP rs2044794146, ClinGen allele CA402542494.
Genomic context (GRCh38, chr18:58,357,194, plus strand): 5'-TACATAGAATAGATTTGAACTAATGTTCTGATTTTTTTTTTTTTTTTTTAACATTTTCAG[A>G]TAGCAAAATTACTCAGTGGGAAGACCCAAGACTGCAGAACCCAGCTATTACTGGTCCGGT-3'
Protein context (NP_001138439.1, residues 560-580): LDGRTFYIDH[Asn570Ser]SKITQWEDPR

ClinVar aggregate classification (germline): Uncertain significance (1 of 4 stars; one submission).

Allele frequency attached by ClinVar (database versions not stated): TOPMed below 0.00001.

Submission:

Labcorp Genetics (formerly Invitae), Labcorp
Classification: Uncertain significance. Last evaluated: 2021-07-17. Review status: criteria provided, single submitter. Criteria: Invitae Variant Classification Sherloc (09022015). Collection method: clinical testing. Allele origin: germline.
Comment: This sequence change replaces asparagine with serine at codon 550 of the NEDD4L protein (p.Asn550Ser). The asparagine residue is highly conserved and there is a small physicochemical difference between asparagine and serine. This variant is not present in population databases (ExAC no frequency). This variant has not been reported in the literature in individuals affected with NEDD4L-related conditions. Algorithms developed to predict the effect of missense changes on protein structure and function are either unavailable or do not agree on the potential impact of this missense change (SIFT: "Deleterious"; PolyPhen-2: "Benign"; Align-GVGD: "Class C45"). Algorithms developed to predict the effect of sequence changes on RNA splicing suggest that this variant may create or strengthen a splice site. In summary, the available evidence is currently insufficient to determine the role of this variant in disease. Therefore, it has been classified as a Variant of Uncertain Significance.